The following is an entry in ClinVar:

ClinVar aggregate classification (germline): Pathogenic (1 of 4 stars; one submission).

Conditions:
Frontotemporal dementia (FTD1). Also called: Frontotemporal lobe dementia (FLDEM); Frontotemporal Dementia with Parkinsonism-17 (FTDP-17); FRONTOTEMPORAL DEMENTIA WITH PARKINSONISM; FRONTOTEMPORAL LOBE DEMENTIA; MULTIPLE SYSTEM TAUOPATHY WITH PRESENILE DEMENTIA; WILHELMSEN-LYNCH DISEASE. Identifiers: Orphanet 282, MedGen C0338451, MONDO:0017276, OMIM 600274, HP:0002145.

Submission:

Human Genetics Group at Institute of Prion Diseases London, University College London
Classification: Pathogenic for Frontotemporal dementia. Last evaluated: 2017-02-01. Review status: criteria provided, single submitter. Criteria: Koriath et al. 2018. Collection method: research. Allele origin: unknown. Affected: yes. Observed: 2 variant alleles.
Comment: frameshift mutation in GRN, adjacent to two other frameshift mutation at codon 130 reported deleterious

Confirmed by Sanger sequencing

NM_002087.4(GRN):c.385dup (p.Ser129fs)

Gene: GRN (granulin precursor; plus strand). Cytogenetic location: 17q21.31.
Variant type: Duplication.
Coding change: c.385dup on transcript NM_002087.4 (MANE Select); coding-DNA position 385, one base duplicated (A; older notation c.385dupA).
Protein change: p.Ser129fs; shifts the reading frame from serine 129.
Molecular consequence: frameshift variant.
Genome position (GRCh38, 1-based): chr17:44,350,263, A duplicated. VCF-style (leftmost placement, unchanged base first): chr17-44350262-T-TA. GRCh37 (hg19) VCF-style: chr17-42427630-T-TA.
Other names: short protein forms S129fs.
Identifiers: ClinVar variation 599617 (VCV000599617.1), dbSNP rs1567886206, ClinGen allele CA913191162.